The following is an entry in ClinVar:

NM_007255.3(B4GALT7):c.268del (p.Trp90fs)

Gene: B4GALT7 (beta-1,4-galactosyltransferase 7; plus strand). Cytogenetic location: 5q35.3.
Variant type: Deletion.
Coding change: c.268del on transcript NM_007255.3 (MANE Select); coding-DNA position 268, one base deleted (T; older notation c.268delT).
Protein change: p.Trp90fs; shifts the reading frame from tryptophan 90.
Molecular consequence: frameshift variant.
Genome position (GRCh38, 1-based): chr5:177,604,396, T deleted. VCF-style (leftmost placement, unchanged base first): chr5-177604395-CT-C. GRCh37 (hg19) VCF-style: chr5-177031396-CT-C.
Other names: short protein forms W90fs.
Identifiers: ClinVar variation 423889 (VCV000423889.3), dbSNP rs1064796683, ClinGen allele CA16618189.
Genomic context (GRCh38, chr5:177,604,395, plus strand): 5'-GGGCCCTCCCCGTGCCTGCCCCCCAGAGCCGCCCCCTGAGCACTGGGAAGAAGACGCATC[CT>C]GGGGCCCCCACCGCCTGGCAGTGCTGGTGCCCTTCCGCGAACGCTTCGAGGAGCTCCTGG-3'

ClinVar aggregate classification (germline): Pathogenic/Likely pathogenic. Review status: criteria provided, multiple submitters, no conflicts (2 of 4 stars). 2 submissions from 2 submitters: Pathogenic (1); Likely pathogenic (1). Last evaluated 2025-09-04.

Conditions:
Spondylodysplastic Ehlers-Danlos syndrome. Identifiers: Orphanet 536471, Orphanet 75496, MedGen C5680154, MONDO:0007526.

Allele frequency attached by ClinVar (database versions not stated): gnomAD exomes 0.00001.

Submissions (2):

Labcorp Genetics (formerly Invitae), Labcorp
Classification: Pathogenic for Spondylodysplastic Ehlers-Danlos syndrome. Last evaluated: 2025-09-04. Review status: criteria provided, single submitter. Criteria: Invitae Variant Classification Sherloc (09022015). Collection method: clinical testing. Allele origin: germline.
Comment: This sequence change creates a premature translational stop signal (p.Trp90Glyfs*30) in the B4GALT7 gene. It is expected to result in an absent or disrupted protein product. Loss-of-function variants in B4GALT7 are known to be pathogenic (PMID: 26940150, 31614862, 38431799). This variant is not present in population databases (gnomAD no frequency). This variant has not been reported in the literature in individuals affected with B4GALT7-related conditions. ClinVar contains an entry for this variant (Variation ID: 423889). For these reasons, this variant has been classified as Pathogenic.

GeneDx
Classification: Likely pathogenic. Last evaluated: 2017-03-07. Review status: criteria provided, single submitter. Criteria: GeneDx Variant Classification (06012015). Collection method: clinical testing. Allele origin: germline. Affected: yes.
Comment: The c.268delT variant has not been published as pathogenic or been reported as benign to our knowledge. This variant causes a shift in reading frame starting at codon tryptophan 90, changing it to a glycine, and creating a premature stop codon at position 30 of the new reading frame, denoted p.W90GfsX30. This variant is expected to result in either an abnormal, truncated protein product or loss of protein from this allele through nonsense-mediated mRNA decay. Only one other frameshift variant in the B4GALT7 gene has been reported in Human Gene Mutation Database, having been identified in an individual with short stature, hypermobility, and hypotonia with motor delay who harbored a B4GALT7 missense variant in trans (Stenson et al., 2014; Salter et al., 2016). Finally, haploinsufficiency is not a well-established disease-mechanism for the B4GALT7 gene.

Literature cited by the submitters: PubMed 26940150 (cited by Labcorp Genetics (formerly Invitae), Labcorp); PubMed 31614862 (cited by Labcorp Genetics (formerly Invitae), Labcorp); PubMed 38431799 (cited by Labcorp Genetics (formerly Invitae), Labcorp).